The following is an entry in ClinVar:

ClinVar aggregate classification (germline): Uncertain significance (1 of 4 stars; one submission).

Conditions:
Short-rib thoracic dysplasia 14 with polydactyly (SRTD14). Identifiers: Orphanet 397715, MedGen C4225286, MONDO:0014688, OMIM 616546.
Joubert syndrome 23 (JBTS23). Identifiers: Orphanet 475, MedGen C4084822, MONDO:0014664, OMIM 616490.

Submission:

Labcorp Genetics (formerly Invitae), Labcorp
Classification: Uncertain significance for Joubert syndrome 23; Short-rib thoracic dysplasia 14 with polydactyly. Last evaluated: 2020-12-24. Review status: criteria provided, single submitter. Criteria: Invitae Variant Classification Sherloc (09022015). Collection method: clinical testing. Allele origin: germline.
Comment: This sequence change replaces glycine with threonine at codon 1607 of the KIAA0586 protein (p.Gly1607Thr). The glycine residue is weakly conserved and there is a small physicochemical difference between glycine and threonine. The frequency data for this variant in the population databases is not available, as this variant may be reported as separate entries in the ExAC database. This variant has not been reported in the literature in individuals with KIAA0586-related conditions. Algorithms developed to predict the effect of missense changes on protein structure and function are either unavailable or do not agree on the potential impact of this missense change (SIFT: "Not Available"; PolyPhen-2: "Probably Damaging"; Align-GVGD: "Not Available"). In summary, the available evidence is currently insufficient to determine the role of this variant in disease. Therefore, it has been classified as a Variant of Uncertain Significance.

NM_001329943.3(KIAA0586):c.4575_4576delinsAC (p.Asp1526His)

Gene: KIAA0586 (KIAA0586; plus strand). Cytogenetic location: 14q23.1.
Variant type: Indel.
Coding change: c.4575_4576delinsAC on transcript NM_001329943.3 (MANE Select); coding-DNA positions 4575 to 4576, GG replaced by AC.
Protein change: p.Asp1526His; replaces aspartic acid 1526 with histidine.
Molecular consequence: missense variant.
Genome position (GRCh38, 1-based): chr14:58,547,860-58,547,861, GG replaced by AC. VCF-style: chr14-58547860-GG-AC. GRCh37 (hg19) VCF-style: chr14-59014578-GG-AC.
Other names: c.4254_4255delinsAC, p.Asp1419His (NM_001329945.2); c.4509_4510delinsAC, p.Asp1504His (NM_001329946.2); c.4443_4444delinsAC, p.Asp1482His (NM_001329947.2, NM_001244192.2); c.4320_4321delinsAC, p.Asp1441His (NM_001364701.2, NM_001244191.2); c.4347_4348delinsAC, p.Asp1450His (NM_014749.5); c.4819_4820delinsAC, p.Gly1607Thr (NM_001244189.2); c.4530_4531delinsAC, p.Asp1511His (NM_001244190.2); c.4660_4661delinsAC, p.Gly1554Thr (NM_001329944.2); short protein forms D1419H, D1504H, D1511H, D1526H, G1554T, G1607T, D1441H, D1450H.
Identifiers: ClinVar variation 1511472 (VCV001511472.6), dbSNP rs2140156856, ClinGen allele CA2573149988.
Genomic context (GRCh38, chr14:58,547,860, plus strand): 5'-CTCCGCTTCACAGATGCCCCCTGCCAAGATGTCAGTGATGCTGCCGTCAGTGAACCTCGA[GG>AC]ACTGCTCTCAGTCTCTGAGTCTCAGCACAATGCAGGAGGACATGGAGTCTTCGGGGGCAG-3'
Protein context (NP_001316872.1, residues 1516-1536): SVMLPSVNLE[Asp1526His]CSQSLSLSTM